The following is an entry in ClinVar:

NM_021625.5(TRPV4):c.1199G>A (p.Arg400Gln)

Gene: TRPV4 (transient receptor potential cation channel subfamily V member 4; minus strand). Cytogenetic location: 12q24.11.
Variant type: single nucleotide variant.
Coding change: c.1199G>A on transcript NM_021625.5 (MANE Select); coding-DNA position 1199, G replaced by A.
Protein change: p.Arg400Gln; replaces arginine 400 with glutamine.
Molecular consequence: missense variant. On other transcripts: intron variant (2).
Genome position (GRCh38, 1-based): chr12:109,796,658, C>T on the plus strand (G>A on the coding strand, the complement: TRPV4 is on the minus strand). VCF-style: chr12-109796658-C-T. GRCh37 (hg19) VCF-style: chr12-110234463-C-T.
Other names: c.1058G>A, p.Arg353Gln (NM_001177428.2); c.1097G>A, p.Arg366Gln (NM_001177431.2); c.1011+1956G>A (NM_001177433.1); c.1152+1956G>A (NM_147204.2); short protein forms R400Q, R353Q, R366Q.
Identifiers: ClinVar variation 536863 (VCV000536863.10), dbSNP rs926925253, ClinGen allele CA243465795.

ClinVar aggregate classification (germline): Uncertain significance. Review status: criteria provided, multiple submitters, no conflicts (2 of 4 stars). 3 submissions from 3 submitters: Uncertain significance (3). Last evaluated 2024-07-26.

Conditions:
Brachyrachia (short spine dysplasia) (BCYM3). Also called: BRACHYRACHIA; Brachyolmia Type 3; Brachyolmia, TRPV4-Related; Autosomal dominant brachyolmia. Identifiers: Orphanet 93304, MedGen C0432227, MONDO:0007232, OMIM 113500.
Metatropic dysplasia (MTD). Also called: Metatropic dysplasia, nonlethal dominant; Metatropic Dysplasia, TRPV4-Related; METATROPIC DWARFISM. Identifiers: Orphanet 2635, MedGen C0265281, MONDO:0007986, OMIM 156530.
Spondyloepimetaphyseal dysplasia, Maroteaux type (SEDM). Also called: PSEUDO-MORQUIO SYNDROME, TYPE 2; Spondyloepimetaphyseal Dysplasia, TRPV4-Related (Maroteaux Type); SED, MAROTEAUX TYPE. Identifiers: Orphanet 263482, MedGen C3159322, MONDO:0008473, OMIM 184095.
Charcot-Marie-Tooth disease axonal type 2C (HMSN2C). Also called: CHARCOT-MARIE-TOOTH DISEASE, AXONAL, AUTOSOMAL DOMINANT, TYPE 2C; Charcot-Marie-Tooth Neuropathy Type 2C; Charcot-Marie-Tooth Disease Type 2, TRPV4-Related (CMT2C). Identifiers: Orphanet 99937, MedGen C1853710, MONDO:0011633, OMIM 606071.
Familial digital arthropathy-brachydactyly. Identifiers: Orphanet 85169, MedGen C1847406, MONDO:0011732, OMIM 606835.
Parastremmatic dwarfism. Identifiers: Orphanet 2646, MedGen C1868616, MONDO:0008196, OMIM 168400.
Neuronopathy, distal hereditary motor, autosomal dominant 8. Also called: SPINAL MUSCULAR ATROPHY, CONGENITAL BENIGN, WITH CONTRACTURES; Autosomal dominant congenital benign spinal muscular atrophy; NEURONOPATHY, DISTAL HEREDITARY MOTOR, TYPE VIII; NEUROPATHY, DISTAL HEREDITARY MOTOR, TYPE VIII. Identifiers: Orphanet 1216, MedGen C1838492, MONDO:0010839, OMIM 600175.
Spondylometaphyseal dysplasia, Kozlowski type (SMDK). Also called: Dysmorphism arthrogryposis skeletal maturation advanced; Jequier-Kozlowski syndrome; Skeletal dysplasia Jequier-Kozlowski type; SMD Kozlowski type; Spondylometaphyseal Dysplasia, TRPV4-Related (Kozlowski Type). Identifiers: Orphanet 93314, MedGen C0265280, MONDO:0008477, OMIM 184252.
Scapuloperoneal spinal muscular atrophy (SPSMA). Also called: Scapuloperoneal Form of Spinal Muscular Atrophy; Scapuloperoneal spinal muscular atrophy, autosomal dominant; Scapuloperoneal Spinal Muscular Atrophy, TRPV4-Related; AMYOTROPHY, NEUROGENIC SCAPULOPERONEAL, NEW ENGLAND TYPE. Identifiers: Orphanet 431255, MedGen C0751335, MONDO:0008408, OMIM 181405.
Sodium serum level quantitative trait locus 1 (SSQTL1). Identifiers: MedGen C3150755, OMIM 613508.
Avascular necrosis of femoral head, primary, 2 (ANFH2). Identifiers: MedGen C4479260, MONDO:0054551, OMIM 617383.
Inborn genetic diseases. Identifiers: MedGen C0950123, MeSH D030342.

Allele frequency attached by ClinVar (database versions not stated): gnomAD exomes 0.00001; TOPMed 0.00003; gnomAD 0.00002.
gnomAD v4.1: 13 of 1,613,978 alleles (0.00081%); highest among the groups gnomAD compares: East Asian, 0.0045%; no homozygotes.

Submissions (3):

Ambry Genetics
Classification: Uncertain significance for Inborn genetic diseases. Last evaluated: 2024-07-26. Review status: criteria provided, single submitter. Criteria: Ambry Variant Classification Scheme 2023. Collection method: clinical testing. Allele origin: germline.

Labcorp Genetics (formerly Invitae), Labcorp
Classification: Uncertain significance for Charcot-Marie-Tooth disease axonal type 2C. Last evaluated: 2023-10-18. Review status: criteria provided, single submitter. Criteria: Invitae Variant Classification Sherloc (09022015). Collection method: clinical testing. Allele origin: germline.
Comment: This sequence change replaces arginine, which is basic and polar, with glutamine, which is neutral and polar, at codon 400 of the TRPV4 protein (p.Arg400Gln). This variant is present in population databases (no rsID available, gnomAD 0.006%). This variant has not been reported in the literature in individuals affected with TRPV4-related conditions. ClinVar contains an entry for this variant (Variation ID: 536863). Advanced modeling of protein sequence and biophysical properties (such as structural, functional, and spatial information, amino acid conservation, physicochemical variation, residue mobility, and thermodynamic stability) has been performed at Invitae for this missense variant, however the output from this modeling did not meet the statistical confidence thresholds required to predict the impact of this variant on TRPV4 protein function. In summary, the available evidence is currently insufficient to determine the role of this variant in disease. Therefore, it has been classified as a Variant of Uncertain Significance.

Juno Genomics, Hangzhou Juno Genomics, Inc
Classification: Uncertain significance for Neuronopathy, distal hereditary motor, autosomal dominant 8; Avascular necrosis of femoral head, primary, 2; Sodium serum level quantitative trait locus 1; Brachyrachia (short spine dysplasia); Familial digital arthropathy-brachydactyly; Charcot-Marie-Tooth disease axonal type 2C; Metatropic dysplasia; Parastremmatic dwarfism; Scapuloperoneal spinal muscular atrophy; Spondyloepimetaphyseal dysplasia, Maroteaux type; Spondylometaphyseal dysplasia, Kozlowski type. Review status: criteria provided, single submitter. Criteria: ACMG Guidelines, 2015. Collection method: clinical testing. Allele origin: germline.
Comment: Missense variant in a gene that has a low rate of benign missense variation.;Multiple lines of computational evidence support a deleterious effect on the gene or gene product.;Absent from controls (or at extremely low frequency if recessive) in Genome Aggregation Database.